The following is an entry in ClinVar:

ClinVar aggregate classification (germline): Uncertain significance (1 of 4 stars; one submission).

Allele frequency attached by ClinVar (database versions not stated): ExAC 0.00006; gnomAD exomes 0.00006; gnomAD 0.00008; TOPMed 0.00011; ESP Exome Variant Server 0.00015.
gnomAD v4.1: 102 of 1,614,116 alleles (0.0063%); highest among the groups gnomAD compares: Middle Eastern, 0.033%; no homozygotes.

Submission:

Labcorp Genetics (formerly Invitae), Labcorp
Classification: Uncertain significance. Last evaluated: 2025-12-19. Review status: criteria provided, single submitter. Criteria: Invitae Variant Classification Sherloc (09022015). Collection method: clinical testing. Allele origin: germline.
Comment: This sequence change replaces leucine, which is neutral and non-polar, with proline, which is neutral and non-polar, at codon 324 of the DDR2 protein (p.Leu324Pro). This variant is present in population databases (rs376834703, gnomAD 0.02%). This variant has not been reported in the literature in individuals affected with DDR2-related conditions. ClinVar contains an entry for this variant (Variation ID: 2050456). An algorithm developed to predict the effect of missense changes on protein structure and function (PolyPhen-2) suggests that this variant is likely to be tolerated. In summary, the available evidence is currently insufficient to determine the role of this variant in disease. Therefore, it has been classified as a Variant of Uncertain Significance.

NM_006182.4(DDR2):c.971T>C (p.Leu324Pro)

Gene: DDR2 (discoidin domain receptor tyrosine kinase 2; plus strand). Cytogenetic location: 1q23.3.
Variant type: single nucleotide variant.
Coding change: c.971T>C on transcript NM_006182.4 (MANE Select); coding-DNA position 971, T replaced by C.
Protein change: p.Leu324Pro; replaces leucine 324 with proline.
Molecular consequence: missense variant.
Genome position (GRCh38, 1-based): chr1:162,761,326, T>C. VCF-style: chr1-162761326-T-C. GRCh37 (hg19) VCF-style: chr1-162731116-T-C.
Other names: c.971T>C, p.Leu324Pro (NM_001014796.3, NM_001354982.2, NM_001354983.2); short protein forms L324P.
Identifiers: ClinVar variation 2050456 (VCV002050456.2), dbSNP rs376834703, ClinGen allele CA1217387.